The following is an entry in ClinVar:

ClinVar aggregate classification (germline): Pathogenic. Review status: criteria provided, multiple submitters, no conflicts (2 of 4 stars). 5 submissions from 5 submitters: Pathogenic (3). 2 of the submissions do not count toward it. Last evaluated 2024-10-08.

Conditions:
Blepharophimosis-impaired intellectual development syndrome. Identifiers: Orphanet 637013, MedGen C5443984, MONDO:0859139, OMIM 619293.
Intellectual disability. Also called: Intellectual functioning disability; Intellectual developmental disorder; intellectual disabilities. Identifiers: MedGen C3714756, MeSH D008607, MONDO:0001071, HP:0001249.

Submissions (5):

Victorian Clinical Genetics Services, Murdoch Childrens Research Institute
Classification: Pathogenic for Blepharophimosis-impaired intellectual development syndrome. Last evaluated: 2024-10-08. Review status: criteria provided, single submitter. Criteria: ACMG Guidelines, 2015. Collection method: clinical testing. Allele origin: germline. Inheritance: Autosomal dominant inheritance. Affected: yes.
Comment: Based on the classification scheme VCGS_Germline_v1.3.4, this variant is classified as Pathogenic. Following criteria are met: 0105 - The mechanism of disease for this gene is not clearly established. However, dominant negative is a likely mechanism (PMID: 22366787). (I) 0107 - This gene is associated with autosomal dominant disease. (I) 0200 - Variant is predicted to result in a missense amino acid change from arginine to cysteine. (I) 0251 - This variant is heterozygous. (I) 0301 - Variant is absent from gnomAD (both v2 and v3). (SP) 0501 - Missense variant consistently predicted to be damaging by multiple in silico tools or highly conserved with a major amino acid change. (SP) 0603 - Missense variant in a region that is highly intolerant to missense variation (high constraint region in DECIPHER). (SP) 0703 - Another missense variant comparable to the one identified in this case has moderate previous evidence for pathogenicity. An alternative change, p.(Arg525His), has been reported in several individuals with SMARCA2-related features, majority of whom are confirmed de novo (ClinVar, DECIPHER). (SP) 0801 - This variant has strong previous evidence of pathogenicity in unrelated individuals. This variant has been identified in at least five individuals with SMARCA2-related features, two of which are confirmed de novo (ClinVar, DECIPHER, PMID: 32694869). (SP) 0905 - No published segregation evidence has been identified for this variant. (I) 1007 - No published functional evidence has been identified for this variant. (I) 1208 - Inheritance information for this variant is not currently available in this individual. (I) Legend: (SP) - Supporting pathogenic, (I) - Information, (SB) - Supporting benign

GeneDx
Classification: Pathogenic. Last evaluated: 2023-09-08. Review status: criteria provided, single submitter. Criteria: GeneDx Variant Classification Process June 2021. Collection method: clinical testing. Allele origin: germline. Affected: yes.
Comment: Not observed at significant frequency in large population cohorts (gnomAD); In silico analysis, which includes protein predictors and evolutionary conservation, supports a deleterious effect; This variant is associated with the following publications: (PMID: 28135719, 28191890, 28628100, 25533962, 32694869)

Institute of Medical Genetics and Applied Genomics, University Hospital Tübingen
Classification: Pathogenic. Last evaluated: 2021-09-15. Review status: criteria provided, single submitter. Criteria: ACMG Guidelines, 2015. Collection method: clinical testing. Allele origin: germline. Inheritance: Autosomal dominant inheritance. Affected: yes.

OMIM
Classification: Pathogenic for BLEPHAROPHIMOSIS-IMPAIRED INTELLECTUAL DEVELOPMENT SYNDROME. Last evaluated: 2021-04-30. Review status: no assertion criteria provided. Collection method: literature only. Allele origin: germline. Not counted in ClinVar's aggregate classification.

Fondazione Telethon, Telethon Institute of Genetics and Medicine
Classification: Likely pathogenic for Intellectual disability. Review status: no assertion criteria provided. Collection method: clinical testing. Allele origin: de novo. Inheritance: Autosomal dominant inheritance. Affected: yes. Not counted in ClinVar's aggregate classification.

Literature cited by the submitters: PubMed 22366787 (cited by Victorian Clinical Genetics Services, Murdoch Childrens Research Institute); PubMed 32694869 (cited by Victorian Clinical Genetics Services, Murdoch Childrens Research Institute and OMIM).

NM_003070.5(SMARCA2):c.1573C>T (p.Arg525Cys)

Gene: SMARCA2 (SWI/SNF related BAF chromatin remodeling complex subunit ATPase 2; plus strand). Cytogenetic location: 9p24.3.
Variant type: single nucleotide variant.
Coding change: c.1573C>T on transcript NM_003070.5 (MANE Select); coding-DNA position 1573, C replaced by T.
Protein change: p.Arg525Cys; replaces arginine 525 with cysteine.
Molecular consequence: missense variant.
Genome position (GRCh38, 1-based): chr9:2,060,867, C>T. VCF-style: chr9-2060867-C-T. GRCh37 (hg19) VCF-style: chr9-2060867-C-T.
Other names: c.1573C>T (NM_003070.3, NM_003070.4); c.1573C>T, p.Arg525Cys (NM_001289396.2, NM_001289397.2, NM_139045.4); short protein forms R525C.
Identifiers: ClinVar variation 829811 (VCV000829811.7), dbSNP rs1586660370, ClinGen allele CA372782491.